The following is an entry in ClinVar:

NM_006389.5(HYOU1):c.44G>A (p.Cys15Tyr)

Gene: HYOU1 (hypoxia up-regulated 1; minus strand). Cytogenetic location: 11q23.3.
Variant type: single nucleotide variant.
Coding change: c.44G>A on transcript NM_006389.5 (MANE Select); coding-DNA position 44, G replaced by A.
Protein change: p.Cys15Tyr; replaces cysteine 15 with tyrosine.
Molecular consequence: missense variant.
Genome position (GRCh38, 1-based): chr11:119,056,117, C>T on the plus strand (G>A on the coding strand, the complement: HYOU1 is on the minus strand). VCF-style: chr11-119056117-C-T.
Other names: c.44G>A, p.Cys15Tyr (NM_001130991.3, NM_001411041.1); short protein forms C15Y.
Identifiers: ClinVar variation 2989600 (VCV002989600.3), dbSNP rs781899530, ClinGen allele CA229649746.
Genomic context (GRCh38, chr11:119,056,117, plus strand): 5'-CTGGGGTACATACCACTCAGTGCCAACAGGTCTGCCAAGAGCACAGCCACCAAGGCCCAA[C>T]AGACTCGCCTCCTCGGCCTCTGCCTCCTAACTTTGTCTGCCATAGTGCCCCTGGGGGAGG-3'
Protein context (NP_006380.1, residues 5-25): VRRQRPRRRV[Cys15Tyr]WALVAVLLAD

ClinVar aggregate classification (germline): Uncertain significance (1 of 4 stars; one submission).

gnomAD v4.1: 14 of 1,614,152 alleles (0.00087%); highest among the groups gnomAD compares: Non-Finnish European, 0.0011%; no homozygotes.

Submission:

Labcorp Genetics (formerly Invitae), Labcorp
Classification: Uncertain significance. Last evaluated: 2023-08-30. Review status: criteria provided, single submitter. Criteria: Invitae Variant Classification Sherloc (09022015). Collection method: clinical testing. Allele origin: germline.
Comment: This sequence change replaces cysteine, which is neutral and slightly polar, with tyrosine, which is neutral and polar, at codon 15 of the HYOU1 protein (p.Cys15Tyr). This variant is present in population databases (rs781899530, gnomAD 0.0009%). This variant has not been reported in the literature in individuals affected with HYOU1-related conditions. An algorithm developed to predict the effect of missense changes on protein structure and function (PolyPhen-2) suggests that this variant is likely to be disruptive. In summary, the available evidence is currently insufficient to determine the role of this variant in disease. Therefore, it has been classified as a Variant of Uncertain Significance.